The following is an entry in ClinVar:

ClinVar aggregate classification (germline): Pathogenic. Review status: criteria provided, multiple submitters, no conflicts (2 of 4 stars). 3 submissions from 3 submitters: Pathogenic (3). Last evaluated 2026-07-02.

Conditions:
Colorectal cancer. Also called: Colorectal cancer, somatic; Malignant Colorectal Neoplasm. Identifiers: MedGen C0346629, MONDO:0005575, OMIM 114500.
Colorectal cancer, hereditary nonpolyposis, type 7. Identifiers: Orphanet 144, MedGen C1858380, MONDO:0013725, OMIM 614385.
Endometrial carcinoma. Also called: Endometrial carcinoma, somatic. Identifiers: MedGen C0476089, MONDO:0002447, OMIM 608089, HP:0012114.

Submissions (3):

Myriad Genetics, Inc.
Classification: Pathogenic for Colorectal cancer, hereditary nonpolyposis, type 7. Last evaluated: 2026-07-02. Review status: criteria provided, single submitter. Criteria: Myriad Autosomal Dominant, Autosomal Recessive and X-Linked Classification Criteria (2023). Collection method: clinical testing. Allele origin: unknown.
Comment: This variant is considered pathogenic. This variant creates a frameshift predicted to result in premature protein truncation.

Ambry Genetics
Classification: Pathogenic. Last evaluated: 2026-06-03. Review status: criteria provided, single submitter. Criteria: Ambry Variant Classification Scheme 2023. Collection method: clinical testing. Allele origin: germline.
Comment: The c.2147_2148delCT pathogenic mutation, located in coding exon 1 of the MLH3 gene, results from a deletion of two nucleotides at nucleotide positions 2147 to 2148, causing a translational frameshift with a predicted alternate stop codon (p.S716Ffs*5). This variant is considered to be rare based on population cohorts in the Genome Aggregation Database (gnomAD). This alteration is expected to result in loss of function by premature protein truncation or nonsense-mediated mRNA decay. As such, this alteration is interpreted as a disease-causing mutation.

Department of Pathology and Laboratory Medicine, Sinai Health System
Classification: Pathogenic for Colorectal cancer; Endometrial carcinoma; Colorectal cancer, hereditary nonpolyposis, type 7. Last evaluated: 2024-11-07. Review status: criteria provided, single submitter. Criteria: ACMG Guidelines, 2015. Collection method: clinical testing. Allele origin: germline.

NM_001040108.2(MLH3):c.2147_2148del (p.Ser716fs)

Gene: MLH3 (mutL homolog 3; minus strand). Cytogenetic location: 14q24.3.
Variant type: Microsatellite.
Coding change: c.2147_2148del on transcript NM_001040108.2 (MANE Select); coding-DNA positions 2147 to 2148, 2 bases deleted (CT; older notation c.2147_2148delCT).
Protein change: p.Ser716fs; shifts the reading frame from serine 716.
Molecular consequence: frameshift variant.
Genome position (GRCh38, 1-based): chr14:75,047,508-75,047,509, AG deleted on the plus strand (CT on the coding strand, the reverse complement: MLH3 is on the minus strand); deleting any 2 consecutive bases within chr14:75,047,508-75,047,511 gives the same sequence; the c. name uses the placement nearest the transcript's 3' end. VCF-style (leftmost placement, unchanged base first): chr14-75047507-AAG-A. GRCh37 (hg19) VCF-style: chr14-75514210-AAG-A.
Other names: c.2145_2146CT[1], p.Ser716Phefs (NM_001040108.1); c.2147_2148del, p.Ser716fs (NM_014381.3); c.2147_2148delCT (NM_001040108.1); short protein forms S716fs.
Identifiers: ClinVar variation 2497056 (VCV002497056.5), dbSNP rs1892331030, ClinGen allele CA2147317645.
Genomic context (GRCh38, chr14:75,047,507, plus strand): 5'-AGAAACCAATTAATTTATCTGTTTTCCTACTATCATTGGAAACGTGTCTATACCAGGGGA[AAG>A]AGGGGGATGTATCAGATAATATGCAATCTGTTTGTGATTTTTTGCTACCTTCCTGAAAAG-3'